The following is an entry in ClinVar:

NM_004972.4(JAK2):c.1705G>T (p.Asp569Tyr)

Genes: INSL6 (insulin like 6; minus strand), JAK2 (Janus kinase 2; plus strand). Cytogenetic location: 9p24.1.
Variant type: single nucleotide variant.
Coding change: c.1705G>T on transcript NM_004972.4 (MANE Select); coding-DNA position 1705, G replaced by T.
Protein change: p.Asp569Tyr; replaces aspartic acid 569 with tyrosine.
Molecular consequence: missense variant. On other transcripts: non-coding transcript variant (2).
Genome position (GRCh38, 1-based): chr9:5,072,555, G>T. VCF-style: chr9-5072555-G-T. GRCh37 (hg19) VCF-style: chr9-5072555-G-T.
Other names: c.490G>T, p.Asp164Tyr (NM_001322198.2, NM_001322199.2); c.1258G>T, p.Asp420Tyr (NM_001322204.2); c.1705G>T, p.Asp569Tyr (NM_001322194.2, NM_001322195.2, NM_001322196.2); short protein forms D420Y, D569Y, D164Y.
Identifiers: ClinVar variation 2968488 (VCV002968488.3), dbSNP rs1819030932, ClinGen allele CA372826069.
Genomic context (GRCh38, chr9:5,072,555, plus strand): 5'-GAAAGCCTTGGCCAAGGCACTTTTACAAAGATTTTTAAAGGCGTACGAAGAGAAGTAGGA[G>T]ACTACGGTCAACTGCATGAAACAGAAGTTCTTTTAAAAGTTCTGGATAAAGCACACAGAA-3'
Protein context (NP_004963.1, residues 559-579): IFKGVRREVG[Asp569Tyr]YGQLHETEVL

ClinVar aggregate classification (germline): Uncertain significance (1 of 4 stars; one submission).

Allele frequency attached by ClinVar (database versions not stated): TOPMed below 0.00001.

Submission:

Labcorp Genetics (formerly Invitae), Labcorp
Classification: Uncertain significance. Last evaluated: 2023-02-18. Review status: criteria provided, single submitter. Criteria: Invitae Variant Classification Sherloc (09022015). Collection method: clinical testing. Allele origin: germline.
Comment: In summary, the available evidence is currently insufficient to determine the role of this variant in disease. Therefore, it has been classified as a Variant of Uncertain Significance. Advanced modeling of protein sequence and biophysical properties (such as structural, functional, and spatial information, amino acid conservation, physicochemical variation, residue mobility, and thermodynamic stability) performed at Invitae indicates that this missense variant is not expected to disrupt JAK2 protein function. This variant has not been reported in the literature in individuals affected with JAK2-related conditions. This variant is not present in population databases (gnomAD no frequency). This sequence change replaces aspartic acid, which is acidic and polar, with tyrosine, which is neutral and polar, at codon 569 of the JAK2 protein (p.Asp569Tyr).